The following is an entry in ClinVar:

NM_007194.4(CHEK2):c.1433A>T (p.Glu478Val)

Gene: CHEK2 (checkpoint kinase 2; minus strand). Cytogenetic location: 22q12.1.
Variant type: single nucleotide variant.
Coding change: c.1433A>T on transcript NM_007194.4 (MANE Select); coding-DNA position 1433, A replaced by T.
Protein change: p.Glu478Val; replaces glutamic acid 478 with valine.
Molecular consequence: missense variant.
Genome position (GRCh38, 1-based): chr22:28,694,060, T>A on the plus strand (A>T on the coding strand, the complement: CHEK2 is on the minus strand). VCF-style: chr22-28694060-T-A. GRCh37 (hg19) VCF-style: chr22-29090048-T-A.
Other names: c.1562A>T, p.Glu521Val (NM_001005735.3); c.770A>T, p.Glu257Val (NM_001257387.3); c.1232A>T, p.Glu411Val (NM_001349956.3); c.1346A>T, p.Glu449Val (NM_145862.3); short protein forms E411V, E257V, E449V, E521V, E478V.
Identifiers: ClinVar variation 1035110 (VCV001035110.9), dbSNP rs2052468103, ClinGen allele CA411094181.

ClinVar aggregate classification (germline): Uncertain significance (1 of 4 stars; one submission).

Conditions:
Familial cancer of breast. Also called: Hereditary breast cancer; BREAST CANCER, FAMILIAL; hereditary breast carcinoma. Identifiers: Orphanet 227535, MedGen C0346153, MONDO:0016419, OMIM 114480. Disease mechanism: loss of function.

Submission:

Labcorp Genetics (formerly Invitae), Labcorp
Classification: Uncertain significance for Familial cancer of breast. Last evaluated: 2025-10-01. Review status: criteria provided, single submitter. Criteria: Invitae Variant Classification Sherloc (09022015). Collection method: clinical testing. Allele origin: germline.
Comment: This sequence change replaces glutamic acid, which is acidic and polar, with valine, which is neutral and non-polar, at codon 478 of the CHEK2 protein (p.Glu478Val). This variant is not present in population databases (gnomAD no frequency). This variant has not been reported in the literature in individuals affected with CHEK2-related conditions. ClinVar contains an entry for this variant (Variation ID: 1035110). An algorithm developed to predict the effect of missense changes on protein structure and function (PolyPhen-2) suggests that this variant is likely to be disruptive. In summary, the available evidence is currently insufficient to determine the role of this variant in disease. Therefore, it has been classified as a Variant of Uncertain Significance.